The following is an entry in ClinVar:

ClinVar aggregate classification (germline): Uncertain significance (1 of 4 stars; one submission).

Submission:

GeneDx
Classification: Uncertain significance. Last evaluated: 2019-08-19. Review status: criteria provided, single submitter. Criteria: GeneDx Variant Classification (06012015). Collection method: clinical testing. Allele origin: germline. Affected: yes.
Comment: The R962G variant in the ZNF407 gene has been observed in the compound heterozygous state in internal GeneDx whole exome sequencing data in association with intellectual disability, global developmental delay, behavioral anomalies, hypotonia, dwarfism, and facial dysmorphism. The R962G variant is not observed in large population cohorts (Lek et al., 2016). In silico analysis, which includes protein predictors and evolutionary conservation, supports that this variant does not alter protein structure/function. Therefore, we interpret R962G as a variant of uncertain significance.

NM_017757.3(ZNF407):c.2884C>G (p.Arg962Gly)

Genes: ZNF407 (zinc finger protein 407; plus strand), LOC126862798 (MED14-independent group 3 enhancer GRCh37_chr18:72345358-72346557; plus strand). Cytogenetic location: 18q22.3.
Variant type: single nucleotide variant.
Coding change: c.2884C>G on transcript NM_017757.3 (MANE Select); coding-DNA position 2884, C replaced by G.
Protein change: p.Arg962Gly; replaces arginine 962 with glycine.
Molecular consequence: missense variant.
Genome position (GRCh38, 1-based): chr18:74,633,903, C>G. VCF-style: chr18-74633903-C-G. GRCh37 (hg19) VCF-style: chr18-72345859-C-G.
Other names: c.2884C>G, p.Arg962Gly (NM_001146189.1, NM_001146190.1, NM_001384475.1); short protein forms R962G.
Identifiers: ClinVar variation 689354 (VCV000689354.1), dbSNP rs372318044, ClinGen allele CA302812677.
Genomic context (GRCh38, chr18:74,633,903, plus strand): 5'-TCAGATGAACATGCTAACAAACCAGCTGAGTCACCCACCTCCGTTTTAGAGAAGCCAGAT[C>G]GTGGAAACTCAATTGAAGCTGAAGTTGAAAATGTATTTCATTCTCTAGATGGAGAAGTTA-3'
Protein context (NP_060227.2, residues 952-972): SPTSVLEKPD[Arg962Gly]GNSIEAEVEN